The following is an entry in ClinVar:

NM_000400.4(ERCC2):c.2069G>A (p.Arg690Gln)

Gene: ERCC2 (ERCC excision repair 2, TFIIH core complex helicase subunit; minus strand). Cytogenetic location: 19q13.32.
Variant type: single nucleotide variant.
Coding change: c.2069G>A on transcript NM_000400.4 (MANE Select); coding-DNA position 2069, G replaced by A.
Protein change: p.Arg690Gln; replaces arginine 690 with glutamine.
Molecular consequence: missense variant.
Genome position (GRCh38, 1-based): chr19:45,352,330, C>T on the plus strand (G>A on the coding strand, the complement: ERCC2 is on the minus strand). VCF-style: chr19-45352330-C-T. GRCh37 (hg19) VCF-style: chr19-45855588-C-T.
Other names: c.2069G>A (NM_000400.3); short protein forms R690Q.
Identifiers: ClinVar variation 134103 (VCV000134103.4), dbSNP rs537616689, ClinGen allele CA158776.

ClinVar aggregate classification (germline): Uncertain significance. Review status: criteria provided, multiple submitters, no conflicts (2 of 4 stars). 3 submissions from 3 submitters: Uncertain significance (2). 1 of the submissions does not count toward it. Last evaluated 2024-07-09.

Conditions:
Inborn genetic diseases. Identifiers: MedGen C0950123, MeSH D030342.

Allele frequency attached by ClinVar (database versions not stated): gnomAD 0.00006; ExAC 0.00007; gnomAD exomes 0.00007; TOPMed 0.00020; 1000 Genomes Project 30x 0.00062; 1000 Genomes Project 0.00080.
gnomAD v4.1: 58 of 1,614,066 alleles (0.0036%); highest among the groups gnomAD compares: African/African-American, 0.037%; no homozygotes.

Submissions (3):

Ambry Genetics
Classification: Uncertain significance for Inborn genetic diseases. Last evaluated: 2024-07-09. Review status: criteria provided, single submitter. Criteria: Ambry Variant Classification Scheme 2023. Collection method: clinical testing. Allele origin: germline.

Labcorp Genetics (formerly Invitae), Labcorp
Classification: Uncertain significance. Last evaluated: 2022-02-25. Review status: criteria provided, single submitter. Criteria: Invitae Variant Classification Sherloc (09022015). Collection method: clinical testing. Allele origin: germline.
Comment: This sequence change replaces arginine, which is basic and polar, with glutamine, which is neutral and polar, at codon 690 of the ERCC2 protein (p.Arg690Gln). This variant is present in population databases (rs537616689, gnomAD 0.04%). This variant has not been reported in the literature in individuals affected with ERCC2-related conditions. ClinVar contains an entry for this variant (Variation ID: 134103). Algorithms developed to predict the effect of missense changes on protein structure and function are either unavailable or do not agree on the potential impact of this missense change (SIFT: "Deleterious"; PolyPhen-2: "Probably Damaging"; Align-GVGD: "Class C0"). In summary, the available evidence is currently insufficient to determine the role of this variant in disease. Therefore, it has been classified as a Variant of Uncertain Significance.

ITMI
No classification provided. Condition: AllHighlyPenetrant. Last evaluated: 2013-09-19. Review status: no classification provided. Collection method: reference population. Allele origin: germline. Not counted in ClinVar's aggregate classification.
Comment: Please see associated publication for description of ethnicities

Literature cited by the submitters: PubMed 24728327 (cited by ITMI).